The following is an entry in ClinVar:

NM_001287491.2(TET3):c.1873C>T (p.Arg625Ter)

Gene: TET3 (tet methylcytosine dioxygenase 3; plus strand). Cytogenetic location: 2p13.1.
Variant type: single nucleotide variant.
Coding change: c.1873C>T on transcript NM_001287491.2 (MANE Select); coding-DNA position 1873, C replaced by T.
Protein change: p.Arg625Ter; replaces arginine 625 with a stop codon.
Molecular consequence: nonsense.
Genome position (GRCh38, 1-based): chr2:74,047,790, C>T. VCF-style: chr2-74047790-C-T. GRCh37 (hg19) VCF-style: chr2-74274917-C-T.
Other names: c.1594C>T, p.Arg532Ter (NM_001366022.1); short protein forms R532*, R625*.
Identifiers: ClinVar variation 4879694 (VCV004879694.1).

ClinVar aggregate classification (germline): Pathogenic (1 of 4 stars; one submission).

Conditions:
Beck-Fahrner syndrome (BEFAHRS). Identifiers: Orphanet 684216, MedGen C5394097, MONDO:0032922, OMIM 618798.

Submission:

Victorian Clinical Genetics Services, Murdoch Childrens Research Institute
Classification: Pathogenic for Beck-Fahrner syndrome. Last evaluated: 2026-06-02. Review status: criteria provided, single submitter. Criteria: ACMG Guidelines, 2015. Collection method: clinical testing. Allele origin: germline. Affected: yes.
Comment: This variant is classified as Pathogenic. Evidence in support of pathogenic classification: Variant is predicted to cause nonsense-mediated decay (NMD) and loss of protein (premature termination codon is located at least 54 nucleotides upstream of the final exon-exon junction); Variant is absent from gnomAD (v2, v3 and v4); This variant has limited previous evidence of pathogenicity in an unrelated individual(s). This variant has been reported as de novo in a heterozygous individual with TET3-related symptoms (PMID: 36192301, 39659179); Other NMD-predicted variant(s) comparable to the one identified in this case have very strong previous evidence for pathogenicity (DECIPHER). Additional information: This variant is heterozygous; This gene is associated with dominant disease. There have been reports of autosomal recessive disease; however, it has been noted that ClinGen have rated the autosomal recessive gene disease association as limited (CCID:008155); No published evidence of segregation with disease has been identified for this variant; No published functional evidence has been identified for this variant; Dominant negative and loss of function are suggested mechanisms of disease in this gene and are associated with Beck-Fahrner syndrome (MIM#618798). In addition, biallelic missense variants have been shown to be hypomorphic (PMID: 31928709); Variants in this gene are known to have variable expressivity (OMIM, PMID: 37200470).

Literature cited by the submitters: PubMed 39659179; PubMed 31928709; PubMed 36192301; PubMed 37200470.